The following is an entry in ClinVar:

ClinVar aggregate classification (germline): Pathogenic/Likely pathogenic. Review status: criteria provided, multiple submitters, no conflicts (2 of 4 stars). 2 submissions from 2 submitters: Pathogenic (1); Likely pathogenic (1). Last evaluated 2025-03-11.

Conditions:
Severe combined immunodeficiency due to DCLRE1C deficiency (RS-SCID). Also called: SCID, AUTOSOMAL RECESSIVE, T CELL-NEGATIVE, B CELL-NEGATIVE, NK CELL-POSITIVE, WITH SENSITIVITY TO IONIZING RADIATION. Identifiers: Orphanet 275, MedGen C1865371, MONDO:0011225, OMIM 602450.
Athabaskan severe combined immunodeficiency (SCIDA). Also called: Severe combined immunodeficiency, athabascan-type. Identifiers: MedGen C1865370.

Submissions (2):

Natera, Inc.
Classification: Pathogenic for Athabascan severe combined immunodeficiency. Last evaluated: 2025-03-11. Review status: criteria provided, single submitter. Criteria: Natera Variant Classification Schema (03/2026). Collection method: clinical testing. Allele origin: germline.
Comment: The c.465-1G>C variant in DCLRE1C is a canonical splice acceptor site variant predicted to affect pre-mRNA splicing, which may result in an abnormal transcript and altered protein product. This variant is expected to result in nonsense mediated decay, truncation, or a dysfunctional protein product. This variant is rare in the general population with a frequency below the threshold expected for the associated phenotype(s). This variant has been observed in one or more individuals affected with the associated recessive disease, as either homozygous or compound heterozygous with a second variant (PMID: 34220820). Functional studies show that this variant may disrupt protein function (PMID: 34220820). Given the available evidence, this variant is classified as Pathogenic.

Labcorp Genetics (formerly Invitae), Labcorp
Classification: Likely pathogenic for Athabaskan severe combined immunodeficiency. Last evaluated: 2022-12-31. Review status: criteria provided, single submitter. Criteria: Invitae Variant Classification Sherloc (09022015). Collection method: clinical testing. Allele origin: germline.
Comment: In summary, the currently available evidence indicates that the variant is pathogenic, but additional data are needed to prove that conclusively. Therefore, this variant has been classified as Likely Pathogenic. This sequence change affects an acceptor splice site in intron 6 of the DCLRE1C gene. It is expected to disrupt RNA splicing. Variants that disrupt the donor or acceptor splice site typically lead to a loss of protein function (PMID: 16199547), and loss-of-function variants in DCLRE1C are known to be pathogenic (PMID: 21664875, 26123418). This variant is not present in population databases (gnomAD no frequency). Disruption of this splice site has been observed in individual(s) with severe combined immunodeficiency (PMID: 34220820). ClinVar contains an entry for this variant (Variation ID: 1496282). Studies have shown that disruption of this splice site is associated with altered splicing resulting in unknown protein product impact (PMID: 34220820).

Literature cited by the submitters: PubMed 34220820 (cited by Natera, Inc. and Labcorp Genetics (formerly Invitae), Labcorp); PubMed 16199547 (cited by Labcorp Genetics (formerly Invitae), Labcorp); PubMed 21664875 (cited by Labcorp Genetics (formerly Invitae), Labcorp); PubMed 26123418 (cited by Labcorp Genetics (formerly Invitae), Labcorp).

NM_001033855.3(DCLRE1C):c.465-1G>C

Gene: DCLRE1C (DNA cross-link repair 1C; minus strand). Cytogenetic location: 10p13.
Variant type: single nucleotide variant.
Coding change: c.465-1G>C on transcript NM_001033855.3 (MANE Select); the canonical splice acceptor site of the intron before coding-DNA position 465, G replaced by C.
Molecular consequence: splice acceptor variant.
Genome position (GRCh38, 1-based): chr10:14,934,776, C>G on the plus strand (G>C on the coding strand, the complement: DCLRE1C is on the minus strand). VCF-style: chr10-14934776-C-G. GRCh37 (hg19) VCF-style: chr10-14976775-C-G.
Other names: c.120-1G>C (NM_001350966.2, NM_001289078.2, NM_001289076.2 and 1 more transcripts); c.465-1G>C (NM_001350965.2, NM_001033855.2); c.105-1G>C (NM_001350967.2, NM_001289077.2, NM_001289079.2 and 2 more transcripts).
Identifiers: ClinVar variation 1496282 (VCV001496282.8), dbSNP rs2130944445, ClinGen allele CA376060015.
Genomic context (GRCh38, chr10:14,934,776, plus strand): 5'-TGGTAAAATCTTGGATCACAGAACGTAGTATCCAAATATACACTTTGGATGTCTTTGACT[C>G]TGAAAAGAAAAAAAATTGATGTTAGCCATCCAATGTGATATAAATTATGTGTAACTTTTT-3'